The following is an entry in ClinVar:

NM_017662.5(TRPM6):c.3427C>A (p.Leu1143Met)

Gene: TRPM6 (transient receptor potential cation channel subfamily M member 6; minus strand). Cytogenetic location: 9q21.13.
Variant type: single nucleotide variant.
Coding change: c.3427C>A on transcript NM_017662.5 (MANE Select); coding-DNA position 3427, C replaced by A.
Protein change: p.Leu1143Met; replaces leucine 1143 with methionine.
Molecular consequence: missense variant.
Genome position (GRCh38, 1-based): chr9:74,771,812, G>T on the plus strand (C>A on the coding strand, the complement: TRPM6 is on the minus strand). VCF-style: chr9-74771812-G-T. GRCh37 (hg19) VCF-style: chr9-77386728-G-T.
Other names: c.3412C>A, p.Leu1138Met (NM_001177310.2, NM_001177311.2); short protein forms L1138M, L1143M.
Identifiers: ClinVar variation 4076884 (VCV004076884.1).

ClinVar aggregate classification (germline): Uncertain significance (1 of 4 stars; one submission).

Submission:

GeneDx
Classification: Uncertain significance. Last evaluated: 2025-02-21. Review status: criteria provided, single submitter. Criteria: GeneDx Variant Classification Process June 2021. Collection method: clinical testing. Allele origin: germline. Affected: yes.
Comment: Not observed at significant frequency in large population cohorts (gnomAD); In silico analysis indicates that this missense variant does not alter protein structure/function; Has not been previously published as pathogenic or benign to our knowledge